The following is an entry in ClinVar:

NM_002335.4(LRP5):c.1818G>A (p.Ala606=)

Gene: LRP5 (LDL receptor related protein 5; plus strand). Cytogenetic location: 11q13.2.
Variant type: single nucleotide variant.
Coding change: c.1818G>A on transcript NM_002335.4 (MANE Select); coding-DNA position 1818, G replaced by A.
Protein change: p.Ala606=; no amino-acid change (alanine 606 retained).
Molecular consequence: synonymous variant.
Genome position (GRCh38, 1-based): chr11:68,406,540, G>A. VCF-style: chr11-68406540-G-A. GRCh37 (hg19) VCF-style: chr11-68174008-G-A.
Other names: c.75G>A, p.Ala25= (NM_001291902.2).
Identifiers: ClinVar variation 282990 (VCV000282990.16), dbSNP rs148603249, ClinGen allele CA6149464.

ClinVar aggregate classification (germline): Conflicting classifications of pathogenicity. Review status: criteria provided, conflicting classifications (1 of 4 stars). 4 submissions from 4 submitters: Uncertain significance (1); Likely benign (3). Last evaluated 2026-01-06.

Conditions:
LRP5-related disorder. Also called: LRP5-related condition.

Allele frequency attached by ClinVar (database versions not stated): ESP Exome Variant Server 0.00023; gnomAD 0.00031; TOPMed 0.00038; 1000 Genomes Project 0.00040; 1000 Genomes Project 30x 0.00047.
gnomAD v4.1: 113 of 1,614,106 alleles (0.007%); highest among the groups gnomAD compares: African/African-American, 0.12%; no homozygotes.

Submissions (4):

Labcorp Genetics (formerly Invitae), Labcorp
Classification: Likely benign. Last evaluated: 2026-01-06. Review status: criteria provided, single submitter. Criteria: Invitae Variant Classification Sherloc (09022015). Collection method: clinical testing. Allele origin: germline.

PreventionGenetics, part of Exact Sciences
Classification: Likely benign for LRP5-related condition. Last evaluated: 2024-11-27. Review status: criteria provided, single submitter. Criteria: ACMG Guidelines, 2015. Collection method: clinical testing. Allele origin: germline.
Comment: This variant is classified as likely benign based on ACMG/AMP sequence variant interpretation guidelines (Richards et al. 2015 PMID: 25741868, with internal and published modifications).

Blueprint Genetics
Classification: Likely benign. Last evaluated: 2024-10-24. Review status: criteria provided, single submitter. Criteria: ACMG Guidelines, 2015. Collection method: clinical testing. Allele origin: germline.

Eurofins Ntd Llc (ga)
Classification: Uncertain significance. Last evaluated: 2015-09-16. Review status: criteria provided, single submitter. Criteria: EGL Classification Definitions 2015. Collection method: clinical testing. Allele origin: germline. Observed: 1 variant allele, 1 heterozygote.